The following is an entry in ClinVar:

ClinVar aggregate classification (germline): Uncertain significance (1 of 4 stars; one submission).

Submission:

Ambry Genetics
Classification: Uncertain significance. Last evaluated: 2024-06-23. Review status: criteria provided, single submitter. Criteria: Ambry Variant Classification Scheme 2023. Collection method: clinical testing. Allele origin: germline.
Comment: The p.K2287Q variant (also known as c.6859A>C), located in coding exon 24 of the POLQ gene, results from an A to C substitution at nucleotide position 6859. The lysine at codon 2287 is replaced by glutamine, an amino acid with similar properties. This amino acid position is conserved. In addition, this alteration is predicted to be tolerated by in silico analysis. Based on the available evidence, the clinical significance of this variant remains unclear.

NM_199420.4(POLQ):c.6859A>C (p.Lys2287Gln)

Gene: POLQ (DNA polymerase theta; minus strand). Cytogenetic location: 3q13.33.
Variant type: single nucleotide variant.
Coding change: c.6859A>C on transcript NM_199420.4 (MANE Select); coding-DNA position 6859, A replaced by C.
Protein change: p.Lys2287Gln; replaces lysine 2287 with glutamine.
Molecular consequence: missense variant.
Genome position (GRCh38, 1-based): chr3:121,467,627, T>G on the plus strand (A>C on the coding strand, the complement: POLQ is on the minus strand). VCF-style: chr3-121467627-T-G. GRCh37 (hg19) VCF-style: chr3-121186474-T-G.
Other names: short protein forms K2287Q.
Identifiers: ClinVar variation 3308748 (VCV003308748.1).